The following is an entry in ClinVar:

ClinVar aggregate classification (germline): Uncertain significance (1 of 4 stars; one submission).

Conditions:
Immunodeficiency 35 (IMD35). Also called: Susceptibility to infection due to TYK2 deficiency; HIES WITH ATYPICAL MYCOBACTERIOSIS, AUTOSOMAL RECESSIVE; HYPER-IgE SYNDROME WITH ATYPICAL MYCOBACTERIOSIS, AUTOSOMAL RECESSIVE; TYK2 DEFICIENCY. Identifiers: Orphanet 331226, MedGen C1969086, MONDO:0012682, OMIM 611521.

Allele frequency attached by ClinVar (database versions not stated): TOPMed below 0.00001; ExAC 0.00001; gnomAD exomes 0.00001.
gnomAD v4.1: 8 of 1,574,678 alleles (0.00051%); highest among the groups gnomAD compares: Admixed American, 0.0018%; no homozygotes.

Submission:

Labcorp Genetics (formerly Invitae), Labcorp
Classification: Uncertain significance for Immunodeficiency 35. Last evaluated: 2022-03-31. Review status: criteria provided, single submitter. Criteria: Invitae Variant Classification Sherloc (09022015). Collection method: clinical testing. Allele origin: germline.
Comment: In summary, the available evidence is currently insufficient to determine the role of this variant in disease. Therefore, it has been classified as a Variant of Uncertain Significance. Algorithms developed to predict the effect of missense changes on protein structure and function output the following: SIFT: "Not Available"; PolyPhen-2: "Benign"; Align-GVGD: "Not Available". The cysteine amino acid residue is found in multiple mammalian species, which suggests that this missense change does not adversely affect protein function. This variant has not been reported in the literature in individuals affected with TYK2-related conditions. This variant is present in population databases (rs777199847, gnomAD 0.005%). This sequence change replaces tyrosine, which is neutral and polar, with cysteine, which is neutral and slightly polar, at codon 1076 of the TYK2 protein (p.Tyr1076Cys).

NM_003331.5(TYK2):c.3227A>G (p.Tyr1076Cys)

Gene: TYK2 (tyrosine kinase 2; minus strand). Cytogenetic location: 19p13.2.
Variant type: single nucleotide variant.
Coding change: c.3227A>G on transcript NM_003331.5 (MANE Select); coding-DNA position 3227, A replaced by G.
Protein change: p.Tyr1076Cys; replaces tyrosine 1076 with cysteine.
Molecular consequence: missense variant. On other transcripts: intron variant (1).
Genome position (GRCh38, 1-based): chr19:10,352,525, T>C on the plus strand (A>G on the coding strand, the complement: TYK2 is on the minus strand). VCF-style: chr19-10352525-T-C. GRCh37 (hg19) VCF-style: chr19-10463201-T-C.
Other names: c.3227A>G, p.Tyr1076Cys (NM_001385197.1, NM_001406461.1); c.3041A>G, p.Tyr1014Cys (NM_001385199.1); c.3224A>G, p.Tyr1075Cys (NM_001385200.1); c.3029A>G, p.Tyr1010Cys (NM_001385201.1); c.3143A>G, p.Tyr1048Cys (NM_001385202.1); c.3308A>G, p.Tyr1103Cys (NM_001385203.1); c.3437A>G, p.Tyr1146Cys (NM_001385204.1); c.3137A>G, p.Tyr1046Cys (NM_001385205.1); and 3 more; short protein forms Y1048C, Y1075C, Y1034C, Y1103C, Y1010C, Y1014C, Y1046C, Y1070C.
Identifiers: ClinVar variation 1955842 (VCV001955842.3), dbSNP rs777199847, ClinGen allele CA9192787.